The following is an entry in ClinVar:

ClinVar aggregate classification (germline): Uncertain significance (1 of 4 stars; one submission).

Conditions:
Menke-Hennekam syndrome 1 (MKHK1). Identifiers: MedGen C5193034, MONDO:0020763, OMIM 618332.
Rubinstein-Taybi syndrome due to CREBBP mutations (RSTS1). Also called: CREBBP-Related Rubinstein-Taybi Syndrome; Rubinstein-Taybi syndrome 1; RUBINSTEIN-TAYBI SYNDROME 1, INCOMPLETE; BROAD THUMB-HALLUX SYNDROME; RUBINSTEIN SYNDROME; BROAD THUMBS AND GREAT TOES, CHARACTERISTIC FACIES, AND IMPAIRED INTELLECTUAL DEVELOPMENT. Identifiers: Orphanet 353277, Orphanet 783, MedGen C4551859, MONDO:0008393, OMIM 180849.

Submission:

GeneDx
Classification: Uncertain significance. Last evaluated: 2022-05-11. Review status: criteria provided, single submitter. Criteria: GeneDx Variant Classification Process June 2021. Collection method: clinical testing. Allele origin: germline. Affected: yes.
Comment: Not observed at significant frequency in large population cohorts (gnomAD); In silico analysis supports that this missense variant has a deleterious effect on protein structure/function; Has not been previously published as pathogenic or benign to our knowledge

NM_004380.3(CREBBP):c.3181G>A (p.Glu1061Lys)

Gene: CREBBP (CREB binding lysine acetyltransferase; minus strand). Cytogenetic location: 16p13.3.
Variant type: single nucleotide variant.
Coding change: c.3181G>A on transcript NM_004380.3 (MANE Select); coding-DNA position 3181, G replaced by A.
Protein change: p.Glu1061Lys; replaces glutamic acid 1061 with lysine.
Molecular consequence: missense variant.
Genome position (GRCh38, 1-based): chr16:3,767,789, C>T on the plus strand (G>A on the coding strand, the complement: CREBBP is on the minus strand). VCF-style: chr16-3767789-C-T. GRCh37 (hg19) VCF-style: chr16-3817790-C-T.
Other names: c.3067G>A, p.Glu1023Lys (NM_001079846.1); short protein forms E1023K, E1061K.
Identifiers: ClinVar variation 1723732 (VCV001723732.4), dbSNP rs2141182198, ClinGen allele CA394570628.
Genomic context (GRCh38, chr16:3,767,789, plus strand): 5'-GCGGCTGCGAAGGAGATGTTGACTGAGAGGCTGTGCCGTTACTGCTACTCTCTTCTTCCT[C>T]TTTAACTTCTACTTTCACTTCAGGTTTCTTTTCATCCACTTCCATTGGTTCTGATTTCTG-3'
Protein context (NP_004371.2, residues 1051-1071): KKPEVKVEVK[Glu1061Lys]EEESSSNGTA